The following is an entry in ClinVar:

ClinVar aggregate classification (germline): Uncertain significance (1 of 4 stars; one submission).

Conditions:
Global developmental delay with or without impaired intellectual development. Identifiers: MedGen C5193032, MONDO:0032680, OMIM 618330.

Submission:

Juno Genomics, Hangzhou Juno Genomics, Inc
Classification: Uncertain significance for Global developmental delay with or without impaired intellectual development. Review status: criteria provided, single submitter. Criteria: ACMG Guidelines, 2015. Collection method: clinical testing. Allele origin: germline. Affected: yes.
Comment: Absent from controls (or at extremely low frequency if recessive) in Genome Aggregation Database.

NM_001913.5(CUX1):c.1288G>T (p.Glu430Ter)

Gene: CUX1 (cut like homeobox 1; plus strand). Cytogenetic location: 7q22.1.
Variant type: single nucleotide variant.
Coding change: c.1288G>T on transcript NM_001913.5 (MANE Plus Clinical); coding-DNA position 1288, G replaced by T.
Protein change: p.Glu430Ter; replaces glutamic acid 430 with a stop codon.
Molecular consequence: nonsense.
Genome position (GRCh38, 1-based): chr7:102,273,398, G>T. VCF-style: chr7-102273398-G-T. GRCh37 (hg19) VCF-style: chr7-101916669-G-T.
Other names: c.1240G>T, p.Glu414Ter (NM_001202544.3); c.1150G>T, p.Glu384Ter (NM_001202545.3); c.1171G>T, p.Glu391Ter (NM_001202546.3); c.1282G>T, p.Glu428Ter (NM_181500.4); short protein forms E384*, E391*, E414*, E428*, E430*.
Identifiers: ClinVar variation 5018993 (VCV005018993.1).
Genomic context (GRCh38, chr7:102,273,398, plus strand): 5'-TGACGGCCATGTCTTCCTTTGGCCACAGGACGCTGTGCGGAGCTGCAAGTCCGTATCACT[G>T]AGGCTGTGGCCACAGCCACTGAGCAGAGAGAGCTGATCGCCCGCCTGGAGCAGGACCTGA-3'